The following is an entry in ClinVar:

NM_004366.6(CLCN2):c.1736G>A (p.Arg579His)

Gene: CLCN2 (chloride voltage-gated channel 2; minus strand). Cytogenetic location: 3q27.1.
Variant type: single nucleotide variant.
Coding change: c.1736G>A on transcript NM_004366.6 (MANE Select); coding-DNA position 1736, G replaced by A.
Protein change: p.Arg579His; replaces arginine 579 with histidine.
Molecular consequence: missense variant.
Genome position (GRCh38, 1-based): chr3:184,353,781, C>T on the plus strand (G>A on the coding strand, the complement: CLCN2 is on the minus strand). VCF-style: chr3-184353781-C-T. GRCh37 (hg19) VCF-style: chr3-184071569-C-T.
Other names: c.1685G>A, p.Arg562His (NM_001171087.3); c.1604G>A, p.Arg535His (NM_001171088.3); c.1736G>A, p.Arg579His (NM_001171089.3); short protein forms R535H, R562H, R579H.
Identifiers: ClinVar variation 3349281 (VCV003349281.3).

ClinVar aggregate classification (germline): Uncertain significance. Review status: criteria provided, single submitter (1 of 4 stars). 2 submissions from 2 submitters: Uncertain significance (1). 1 of the submissions does not count toward it. Last evaluated 2024-10-07.

Conditions:
CLCN2-related disorder. Also called: CLCN2-related disorders; CLCN2-related condition.

gnomAD v4.1: 34 of 1,606,330 alleles (0.0021%); highest among the groups gnomAD compares: African/African-American, 0.032%; no homozygotes.

Submissions (2):

Labcorp Genetics (formerly Invitae), Labcorp
Classification: Uncertain significance. Last evaluated: 2024-10-07. Review status: criteria provided, single submitter. Criteria: Invitae Variant Classification Sherloc (09022015). Collection method: clinical testing. Allele origin: germline.
Comment: This sequence change replaces arginine, which is basic and polar, with histidine, which is basic and polar, at codon 579 of the CLCN2 protein (p.Arg579His). This variant is present in population databases (rs201130753, gnomAD 0.03%). This variant has not been reported in the literature in individuals affected with CLCN2-related conditions. Invitae Evidence Modeling of protein sequence and biophysical properties (such as structural, functional, and spatial information, amino acid conservation, physicochemical variation, residue mobility, and thermodynamic stability) indicates that this missense variant is not expected to disrupt CLCN2 protein function with a negative predictive value of 80%. In summary, the available evidence is currently insufficient to determine the role of this variant in disease. Therefore, it has been classified as a Variant of Uncertain Significance.

PreventionGenetics, part of Exact Sciences
Classification: Uncertain significance for CLCN2-related condition. Last evaluated: 2024-06-12. Review status: no assertion criteria provided. Collection method: clinical testing. Allele origin: germline. Not counted in ClinVar's aggregate classification.
Comment: The CLCN2 c.1736G>A variant is predicted to result in the amino acid substitution p.Arg579His. To our knowledge, this variant has not been reported in the literature. This variant is reported in 0.030% of alleles in individuals of African descent in gnomAD. At this time, the clinical significance of this variant is uncertain due to the absence of conclusive functional and genetic evidence.